The following is an entry in ClinVar:

NM_001111.5(ADAR):c.1601+98G>A

Gene: ADAR (adenosine deaminase RNA specific; minus strand). Cytogenetic location: 1q21.3.
Variant type: single nucleotide variant.
Coding change: c.1601+98G>A on transcript NM_001111.5 (MANE Select); 98 bases into the intron after coding-DNA position 1601, G replaced by A.
Molecular consequence: intron variant.
Genome position (GRCh38, 1-based): chr1:154,600,943, C>T on the plus strand (G>A on the coding strand, the complement: ADAR is on the minus strand). VCF-style: chr1-154600943-C-T. GRCh37 (hg19) VCF-style: chr1-154573419-C-T.
Other names: c.716+98G>A (NM_001365046.1, NM_001025107.3, NM_001365048.1 and 3 more transcripts); c.1628+98G>A (NM_001365045.1); c.1601+98G>A (NM_015841.4, NM_015840.4).
Identifiers: ClinVar variation 1259173 (VCV001259173.5), dbSNP rs3738032, ClinGen allele CA10988782.

ClinVar aggregate classification (germline): Benign. Review status: criteria provided, multiple submitters, no conflicts (2 of 4 stars). 3 submissions from 3 submitters: Benign (3). Last evaluated 2023-11-12.

Allele frequency attached by ClinVar (database versions not stated): 1000 Genomes Project 0.19409; 1000 Genomes Project 30x 0.19503; TOPMed 0.20958; gnomAD exomes 0.21626; gnomAD 0.21722 and 0.21987.
gnomAD v4.1: 327,960 of 1,515,114 alleles (22%); highest among the groups gnomAD compares: Non-Finnish European, 22%; 36,710 homozygotes.

Submissions (3):

Unidad de Genómica Garrahan, Hospital de Pediatría Garrahan
Classification: Benign. Last evaluated: 2023-11-12. Review status: criteria provided, single submitter. Criteria: ACMG Guidelines, 2015. Collection method: clinical testing. Allele origin: germline. Affected: no. Observed: 32 variant alleles.
Comment: This variant is classified as Benign based on local population frequency. This variant was detected in 33% of patients studied by a panel of primary immunodeficiencies. Number of patients: 32. Only high quality variants are reported.

GeneDx
Classification: Benign. Last evaluated: 2019-04-10. Review status: criteria provided, single submitter. Criteria: GeneDx Variant Classification Process June 2021. Collection method: clinical testing. Allele origin: germline. Affected: yes.

Breakthrough Genomics
Classification: Benign. Review status: criteria provided, single submitter. Criteria: ACMG Guidelines, 2015. Collection method: not provided. Allele origin: germline. Inheritance: Autosomal recessive inheritance. Affected: yes.